The following is an entry in ClinVar:

ClinVar aggregate classification (germline): Conflicting classifications of pathogenicity. Review status: criteria provided, conflicting classifications (1 of 4 stars). 2 submissions from 2 submitters: Likely pathogenic (1); Uncertain significance (1). Last evaluated 2026-06-11.

Conditions:
Vitamin D-dependent rickets, type 1A. Also called: VITAMIN D HYDROXYLATION-DEFICIENT RICKETS, TYPE 1A; PDDR IA; PSEUDOVITAMIN D-DEFICIENCY RICKETS, TYPE IA. Identifiers: MedGen CN283242, MONDO:0020723, OMIM 264700.

Submissions (2):

Myriad Genetics, Inc.
Classification: Uncertain significance for Vitamin D-dependent rickets, type 1A. Last evaluated: 2026-06-11. Review status: criteria provided, single submitter. Criteria: Myriad Autosomal Dominant, Autosomal Recessive and X-Linked Classification Criteria (2023). Collection method: clinical testing. Allele origin: unknown.
Comment: NM_000785.3(CYP27B1):c.374G>T(G125V) is a missense variant classified as a variant of uncertain significance in the context of vitamin D-dependent rickets, CYP27B1-related. G125V has not been observed in cases with relevant disease. Relevant functional assessments of this variant are not available in the literature. G125V has not been observed in referenced population frequency databases. In summary, there is insufficient evidence to classify NM_000785.3(CYP27B1):c.374G>T(G125V) as pathogenic or benign. Please note: this variant was assessed in the context of healthy population screening.

Women's Health and Genetics/Laboratory Corporation of America, LabCorp
Classification: Likely pathogenic for Vitamin D-dependent rickets, type 1A. Last evaluated: 2024-07-29. Review status: criteria provided, single submitter. Criteria: LabCorp Variant Classification Summary - May 2015. Collection method: clinical testing. Allele origin: germline.
Comment: Variant summary: CYP27B1 c.374G>T (p.Gly125Val) results in a non-conservative amino acid change in the encoded protein sequence. Five of five in-silico tools predict a damaging effect of the variant on protein function. The variant was absent in 177120 control chromosomes. To our knowledge, no occurrence of c.374G>T in individuals affected with Vitamin D-dependent rickets has been reported. At least one publication reports experimental evidence evaluating an impact on protein function. The most pronounced variant effect results in <10% of normal activity from G125E/A/V mutants (Sawada_2001). The following publication has been ascertained in the context of this evaluation (PMID: 11737215). No submitters have cited clinical-significance assessments for this variant to ClinVar. Based on the evidence outlined above, the variant was classified as likely pathogenic.

Literature cited by the submitters: PubMed 11737215 (cited by Women's Health and Genetics/Laboratory Corporation of America, LabCorp).

NM_000785.4(CYP27B1):c.374G>T (p.Gly125Val)

Gene: CYP27B1 (cytochrome P450 family 27 subfamily B member 1; minus strand). Cytogenetic location: 12q14.1.
Variant type: single nucleotide variant.
Coding change: c.374G>T on transcript NM_000785.4 (MANE Select); coding-DNA position 374, G replaced by T.
Protein change: p.Gly125Val; replaces glycine 125 with valine.
Molecular consequence: missense variant.
Genome position (GRCh38, 1-based): chr12:57,766,019, C>A on the plus strand (G>T on the coding strand, the complement: CYP27B1 is on the minus strand). VCF-style: chr12-57766019-C-A. GRCh37 (hg19) VCF-style: chr12-58159802-C-A.
Other names: short protein forms G125V.
Identifiers: ClinVar variation 3339277 (VCV003339277.2).